The following continues an entry in ClinVar:

NM_206933.4(USH2A):c.12067-2A>G

Gene: USH2A. ClinVar aggregate classification (germline): Pathogenic. Pathogenic (18).

Submissions 18 to 19 of 19:

Laboratory for Molecular Medicine, Mass General Brigham Personalized Medicine
Classification: Pathogenic for Rare genetic deafness. Last evaluated: 2013-05-13. Review status: criteria provided, single submitter. Criteria: LMM Criteria. Collection method: clinical testing. Allele origin: germline. Observed: 2 variant alleles.
Comment: The 12067-2A>G variant in USH2A has been reported in five individuals with Usher syndrome type 2, one individual with autosomal recessive retinitis pigmentosa a nd one individual with congenital sensorineural hearing loss (Sandberg 2008, Aus lender 2008, Garcia-Garcia 2011, LMM unpublished data). Four of these probands w ere homozygous or compound heterozygous. Segregation of this variant with disea se was demonstrated in two affected family members (Auslender 2008). In addition , this variant occurs in the invariant region (+/- 1,2) of the splice consensus sequence and is predicted to cause altered splicing leading to an abnormal or ab sent protein. In summary, this variant meets our criteria to be classified as pa thogenic.

Sharon lab, Hadassah-Hebrew University Medical Center
Classification: Pathogenic for Usher syndrome type 2. Last evaluated: 2019-06-23. Review status: no assertion criteria provided. Collection method: research. Allele origin: inherited. Affected: yes. Not counted in ClinVar's aggregate classification.

Literature cited by the submitters: PubMed 16199547 (cited by Labcorp Genetics (formerly Invitae), Labcorp); PubMed 10729113 (cited by Labcorp Genetics (formerly Invitae), Labcorp); PubMed 10909849 (cited by Labcorp Genetics (formerly Invitae), Labcorp); PubMed 20507924 (cited by Labcorp Genetics (formerly Invitae), Labcorp); PubMed 25649381 (cited by Labcorp Genetics (formerly Invitae), Labcorp); PubMed 18452394 (cited by 6 submitters); PubMed 22004887 (cited by 5 submitters); PubMed 25404053 (cited by 3 submitters); PubMed 28981474 (cited by 3 submitters); PubMed 27460420 (cited by Myriad Genetics, Inc. and Ocular Genomics Institute, Massachusetts Eye and Ear); PubMed 18641288 (cited by Ocular Genomics Institute, Massachusetts Eye and Ear and Laboratory for Molecular Medicine, Mass General Brigham Personalized Medicine); PubMed 30190494 (cited by Ocular Genomics Institute, Massachusetts Eye and Ear and Institute of Human Genetics, Univ. Regensburg, Univ. Regensburg); PubMed 29490346 (cited by Ocular Genomics Institute, Massachusetts Eye and Ear and Institute of Human Genetics, Univ. Regensburg, Univ. Regensburg); PubMed 25525159 (cited by Institute of Human Genetics, Univ. Regensburg, Univ. Regensburg); PubMed 31589614 (cited by Institute of Human Genetics, Univ. Regensburg, Univ. Regensburg); PubMed 31964843 (cited by Institute of Human Genetics, Univ. Regensburg, Univ. Regensburg); PubMed 31456290 (cited by Institute of Human Genetics, Univ. Regensburg, Univ. Regensburg); PubMed 32531858 (cited by Institute of Human Genetics, Univ. Regensburg, Univ. Regensburg); PubMed 32037395 (cited by Institute of Human Genetics, Univ. Regensburg, Univ. Regensburg); PubMed 34148116 (cited by Institute of Human Genetics, Univ. Regensburg, Univ. Regensburg); PubMed 34315337 (cited by Institute of Human Genetics, Univ. Regensburg, Univ. Regensburg); PubMed 34426522 (cited by Institute of Human Genetics, Univ. Regensburg, Univ. Regensburg); PubMed 34948090 (cited by Institute of Human Genetics, Univ. Regensburg, Univ. Regensburg); PubMed 33749171 (cited by Institute of Human Genetics, Univ. Regensburg, Univ. Regensburg); PubMed 35266249 (cited by Institute of Human Genetics, Univ. Regensburg, Univ. Regensburg); PubMed 36460718 (cited by Institute of Human Genetics, Univ. Regensburg, Univ. Regensburg); PubMed 36819107 (cited by Institute of Human Genetics, Univ. Regensburg, Univ. Regensburg); PubMed 36785559 (cited by Institute of Human Genetics, Univ. Regensburg, Univ. Regensburg).